The following is an entry in ClinVar:

ClinVar aggregate classification (germline): Uncertain significance. Review status: criteria provided, multiple submitters, no conflicts (2 of 4 stars). 2 submissions from 2 submitters: Uncertain significance (2). Last evaluated 2024-10-21.

Conditions:
Congenital microcephaly - severe encephalopathy - progressive cerebral atrophy syndrome. Also called: ASNS DEFICIENCY; Asparagine synthetase deficiency. Identifiers: Orphanet 391376, MedGen C3809971, MONDO:0014258, OMIM 615574.

Submissions (2):

Women's Health and Genetics/Laboratory Corporation of America, LabCorp
Classification: Uncertain significance. Last evaluated: 2024-10-21. Review status: criteria provided, single submitter. Criteria: LabCorp Variant Classification Summary - May 2015. Collection method: clinical testing. Allele origin: germline.
Comment: Variant summary: ASNS c.368T>C (p.Phe123Ser) results in a non-conservative amino acid change located in the Glutamine amidotransferase type 2 domain (IPR017932) of the encoded protein sequence. Five of five in-silico tools predict a damaging effect of the variant on protein function. The variant was absent in 251336 control chromosomes. The available data on variant occurrences in the general population are insufficient to allow any conclusion about variant significance. c.368T>C has been reported in the literature in at least one compound heterozygous individual affected with Asparagine Synthetase Deficiency (Wang_2020). These data do not allow any conclusion about variant significance. To our knowledge, no experimental evidence demonstrating an impact on protein function has been reported. The following publication has been ascertained in the context of this evaluation (PMID: 32255274). No submitters have cited clinical-significance assessments for this variant to ClinVar. Based on the evidence outlined above, the variant was classified as uncertain significance.

Juno Genomics, Hangzhou Juno Genomics, Inc
Classification: Uncertain significance for Congenital microcephaly - severe encephalopathy - progressive cerebral atrophy syndrome. Review status: criteria provided, single submitter. Criteria: ACMG Guidelines, 2015. Collection method: clinical testing. Allele origin: germline.
Comment: Absent from controls (or at extremely low frequency if recessive) in Genome Aggregation Database.;Multiple lines of computational evidence support a deleterious effect on the gene or gene product.;For recessive disorders, detected in trans with a pathogenic variant.;Patient's phenotype or family history is highly specific for a disease with a single genetic etiology.

Literature cited by the submitters: PubMed 32255274 (cited by Women's Health and Genetics/Laboratory Corporation of America, LabCorp).

NM_001673.5(ASNS):c.368T>C (p.Phe123Ser)

Genes: ASNS (asparagine synthetase (glutamine-hydrolyzing); minus strand), CZ1P-ASNS (CZ1P-ASNS readthrough; minus strand). Cytogenetic location: 7q21.3.
Variant type: single nucleotide variant.
Coding change: c.368T>C on transcript NM_001673.5 (MANE Select); coding-DNA position 368, T replaced by C.
Protein change: p.Phe123Ser; replaces phenylalanine 123 with serine.
Molecular consequence: missense variant. On other transcripts: non-coding transcript variant (1).
Genome position (GRCh38, 1-based): chr7:97,864,378, A>G on the plus strand (T>C on the coding strand, the complement: ASNS is on the minus strand). VCF-style: chr7-97864378-A-G. GRCh37 (hg19) VCF-style: chr7-97493690-A-G.
Other names: c.305T>C, p.Phe102Ser (NM_001178075.2); c.119T>C, p.Phe40Ser (NM_001178076.2, NM_001178077.1); c.368T>C, p.Phe123Ser (NM_001352496.2, NM_133436.3, NM_183356.4); short protein forms F102S, F123S, F40S.
Identifiers: ClinVar variation 3385188 (VCV003385188.3).